The following is an entry in ClinVar:

ClinVar aggregate classification (germline): Likely pathogenic (1 of 4 stars; one submission).

Conditions:
Hereditary cancer-predisposing syndrome. Also called: Tumor predisposition; Hereditary Cancer Syndrome; Hereditary neoplastic syndrome; Neoplastic Syndromes, Hereditary. Identifiers: Orphanet 140162, MedGen C0027672, MeSH D009386, MONDO:0015356.

Submissions (2):

Ambry Genetics
Classification: Likely pathogenic for Hereditary cancer-predisposing syndrome. Last evaluated: 2024-09-17. Review status: criteria provided, single submitter. Criteria: Ambry Variant Classification Scheme 2023. Collection method: clinical testing. Allele origin: germline.
Comment: The p.R1753I variant (also known as c.5258G>T), located in coding exon 18 of the BRCA1 gene, results from a G to T substitution at nucleotide position 5258. The arginine at codon 1753 is replaced by isoleucine, an amino acid with similar properties. One functional study found that this nucleotide substitution is non-functional in a high throughput genome editing haploid cell survival assay (Findlay GM et al. Nature, 2018 Oct;562:217-222). This amino acid position is highly conserved in available vertebrate species. In addition, this alteration is predicted to be deleterious by in silico analysis. This variant is considered to be rare based on population cohorts in the Genome Aggregation Database (gnomAD). Based on the majority of available evidence to date, this variant is likely to be pathogenic.

Brotman Baty Institute, University of Washington
No classification provided (evidence only). Condition: Breast-ovarian cancer, familial 1. Review status: no classification provided. Collection method: in vitro. Allele origin: not applicable. Functional consequence: functionally_abnormal. Not counted in ClinVar's aggregate classification.
ClinVar note: "not provided" was previously submitted as the classification for the variant. However, the classification appeared to be based only on an observation of functional data so it was converted to no classification on 2025-07-30.

Literature cited by the submitters: PubMed 30209399 (cited by Ambry Genetics).

NM_007294.4(BRCA1):c.5258G>T (p.Arg1753Ile)

Gene: BRCA1 (BRCA1 DNA repair associated; minus strand). Cytogenetic location: 17q21.31.
Variant type: single nucleotide variant.
Coding change: c.5258G>T on transcript NM_007294.4 (MANE Select); coding-DNA position 5258, G replaced by T.
Protein change: p.Arg1753Ile; replaces arginine 1753 with isoleucine.
Molecular consequence: missense variant. On other transcripts: non-coding transcript variant (1).
Genome position (GRCh38, 1-based): chr17:43,057,071, C>A on the plus strand (G>T on the coding strand, the complement: BRCA1 is on the minus strand). VCF-style: chr17-43057071-C-A. GRCh37 (hg19) VCF-style: chr17-41209088-C-A.
Other names: c.5045G>T, p.Arg1682Ile (NM_001407571.1, NM_001407900.1, NM_001407902.1 and 12 more transcripts); c.5324G>T, p.Arg1775Ile (NM_001407581.1, NM_001407582.1); c.5321G>T, p.Arg1774Ile (NM_001407583.1, NM_001407585.1, NM_001407587.1 and 1 more transcripts); c.5255G>T, p.Arg1752Ile (NM_001407610.1, NM_001407611.1, NM_001407612.1 and 17 more transcripts); c.5252G>T, p.Arg1751Ile (NM_001407629.1, NM_001407630.1, NM_001407631.1 and 14 more transcripts); c.5198G>T, p.Arg1733Ile (NM_001407649.1); c.5180G>T, p.Arg1727Ile (NM_001407652.1, NM_001407653.1, NM_001407654.1 and 1 more transcripts); c.5177G>T, p.Arg1726Ile (NM_001407656.1, NM_001407657.1, NM_001407658.1); and 72 more; short protein forms R1706I, R649I, R1753I, R1774I, R1456I, R1625I, R1641I, R1682I.
Identifiers: ClinVar variation 865210 (VCV000865210.4), dbSNP rs397509246, ClinGen allele CA10591038.